The following is an entry in ClinVar:

ClinVar aggregate classification (germline): Uncertain significance (1 of 4 stars; one submission).

Submission:

GeneDx
Classification: Uncertain significance. Last evaluated: 2025-04-08. Review status: criteria provided, single submitter. Criteria: GeneDx Variant Classification Process June 2021. Collection method: clinical testing. Allele origin: germline. Affected: yes.
Comment: Not observed at significant frequency in large population cohorts (gnomAD); In silico analysis supports that this missense variant has a deleterious effect on protein structure/function; Has not been previously published as pathogenic or benign to our knowledge

NM_001366521.1(ATP2B1):c.347T>C (p.Ile116Thr)

Gene: ATP2B1 (ATPase plasma membrane Ca2+ transporting 1; minus strand). Cytogenetic location: 12q21.33.
Variant type: single nucleotide variant.
Coding change: c.347T>C on transcript NM_001366521.1 (MANE Select); coding-DNA position 347, T replaced by C.
Protein change: p.Ile116Thr; replaces isoleucine 116 with threonine.
Molecular consequence: missense variant. On other transcripts: non-coding transcript variant (3), intron variant (3).
Genome position (GRCh38, 1-based): chr12:89,642,217, A>G on the plus strand (T>C on the coding strand, the complement: ATP2B1 is on the minus strand). VCF-style: chr12-89642217-A-G. GRCh37 (hg19) VCF-style: chr12-90035994-A-G.
Other names: c.347T>C, p.Ile116Thr (NM_001001323.2, NM_001366520.1, NM_001366522.1 and 23 more transcripts); c.209-6966T>C (NM_001413053.1, NM_001366530.1); c.209-7314T>C (NM_001413057.1); short protein forms I116T.
Identifiers: ClinVar variation 4281909 (VCV004281909.1).
Genomic context (GRCh38, chr12:89,642,217, plus strand): 5'-CGTGCATTATCCCCTTCTGGAGGCTGATAAAAAGAAAGGCCCAATGATACTATGGCTGCA[A>G]TTTCTAATATAATTAAAGTGACATCTTGTAATGCTTCCCATACTAATTGAAGAAAGGTTT-3'
Protein context (NP_001353450.1, residues 106-126): LQDVTLIILE[Ile116Thr]AAIVSLGLSF